The following is an entry in ClinVar:

NM_000257.4(MYH7):c.5059G>T (p.Glu1687Ter)

Genes: MHRT (myosin heavy chain associated RNA transcript; plus strand), MYH7 (myosin heavy chain 7; minus strand), LOC126861897 (BRD4-independent group 4 enhancer GRCh37_chr14:23884455-23885654; plus strand). Cytogenetic location: 14q11.2.
Variant type: single nucleotide variant.
Coding change: c.5059G>T on transcript NM_000257.4 (MANE Select); coding-DNA position 5059, G replaced by T.
Protein change: p.Glu1687Ter; replaces glutamic acid 1687 with a stop codon.
Molecular consequence: nonsense. On other transcripts: non-coding transcript variant (1).
Genome position (GRCh38, 1-based): chr14:23,415,727, C>A on the plus strand (G>T on the coding strand, the complement: MYH7 is on the minus strand). VCF-style: chr14-23415727-C-A. GRCh37 (hg19) VCF-style: chr14-23884936-C-A.
Other names: short protein forms E1687*.
Identifiers: ClinVar variation 1461152 (VCV001461152.15), dbSNP rs2138640442, ClinGen allele CA389037044.

ClinVar aggregate classification (germline): Conflicting classifications of pathogenicity. Review status: criteria provided, conflicting classifications (1 of 4 stars). 5 submissions from 5 submitters: Likely pathogenic (1); Uncertain significance (4). Last evaluated 2025-10-01.

Conditions:
MYH7-related disorder. Also called: MYH7-related disorders; MYH7-related condition; MYH7-related disease.
Hypertrophic cardiomyopathy. Also called: HYPERTROPHIC MYOCARDIOPATHY. Identifiers: Orphanet 217569, MedGen C0007194, MeSH D002312, MONDO:0005045, HP:0001639.
Myopathy, myosin storage, autosomal recessive (CMYO7B). Also called: CONGENITAL MYOPATHY 7B, MYOSIN STORAGE, AUTOSOMAL RECESSIVE. Identifiers: Orphanet 636970, MedGen C1850709, MONDO:0009708, OMIM 255160.
Myosin storage myopathy (CMYO7A). Also called: SCAPULOPERONEAL MUSCULAR DYSTROPHY; SCAPULOPERONEAL SYNDROME, MYOPATHIC TYPE; MYOPATHY, HYALINE BODY, AUTOSOMAL DOMINANT; Scapuloperoneal myopathy, MYH7-related; MYH7-related late-onset scapuloperoneal muscular dystrophy; Congenital myopathy 7A, myosin storage, autosomal dominant. Identifiers: Orphanet 437572, Orphanet 636965, MedGen C1842160, MONDO:0008409, OMIM 608358.
Dilated cardiomyopathy 1S (CMD1S). Identifiers: Orphanet 154, Orphanet 54260, MedGen C1834481, MONDO:0013262, OMIM 613426.
Hypertrophic cardiomyopathy 1 (CMH1). Also called: MYH7-Related Familial Hypertrophic Cardiomyopathy; Familial hypertrophic cardiomyopathy 1. Identifiers: MedGen C3495498, MONDO:0008647, OMIM 192600.
MYH7-related skeletal myopathy. Also called: Laing distal myopathy; Laing early-onset distal myopathy; Myopathy, distal, 1; MYOPATHY, DISTAL, EARLY-ONSET, AUTOSOMAL DOMINANT; MYOPATHY, LATE DISTAL HEREDITARY. Identifiers: Orphanet 59135, MedGen C4552004, MONDO:0008050, OMIM 160500.

Allele frequency attached by ClinVar (database versions not stated): gnomAD exomes below 0.00001.
gnomAD v4.1: 1 of 1,614,212 alleles (0.000062%); highest among the groups gnomAD compares: Non-Finnish European, 0.000085%; no homozygotes.

Submissions (5):

CeGaT Center for Human Genetics Tuebingen
Classification: Uncertain significance. Last evaluated: 2025-10-01. Review status: criteria provided, single submitter. Criteria: CeGaT Center For Human Genetics Tuebingen Variant Classification Criteria Version 2. Collection method: clinical testing. Allele origin: germline. Affected: yes. Observed: 1 variant allele.
Comment: MYH7: PM2

Labcorp Genetics (formerly Invitae), Labcorp
Classification: Uncertain significance for Hypertrophic cardiomyopathy. Last evaluated: 2025-03-20. Review status: criteria provided, single submitter. Criteria: Invitae Variant Classification Sherloc (09022015). Collection method: clinical testing. Allele origin: germline.
Comment: This sequence change creates a premature translational stop signal (p.Glu1687*) in the MYH7 gene. It is expected to result in an absent or disrupted protein product. However, the current clinical and genetic evidence is not sufficient to establish whether loss-of-function variants in MYH7 cause disease. This variant is not present in population databases (gnomAD no frequency). This variant has not been reported in the literature in individuals affected with MYH7-related conditions. ClinVar contains an entry for this variant (Variation ID: 1461152). In summary, the available evidence is currently insufficient to determine the role of this variant in disease. Therefore, it has been classified as a Variant of Uncertain Significance.

Revvity Omics, Revvity
Classification: Uncertain significance. Last evaluated: 2025-03-12. Review status: criteria provided, single submitter. Criteria: ACMG Guidelines, 2015. Collection method: clinical testing. Allele origin: germline.

Department of Pathology and Laboratory Medicine, Sinai Health System
Classification: Uncertain significance for MYH7-related skeletal myopathy; Hypertrophic cardiomyopathy 1; Myopathy, myosin storage, autosomal recessive; Myosin storage myopathy; Dilated cardiomyopathy 1S. Last evaluated: 2023-04-24. Review status: criteria provided, single submitter. Criteria: ACMG Guidelines, 2015. Collection method: research. Allele origin: germline.

Blueprint Genetics
Classification: Likely pathogenic for MYH7-related disorders. Last evaluated: 2023-03-17. Review status: criteria provided, single submitter. Criteria: ACMG Guidelines, 2015. Collection method: clinical testing. Allele origin: germline. Affected: yes. Observed: 5 variant alleles.